The following is an entry in ClinVar:

ClinVar aggregate classification (germline): Likely pathogenic (1 of 4 stars; one submission).

Submission:

ARUP Laboratories, Molecular Genetics and Genomics, ARUP Laboratories
Classification: Likely pathogenic. Last evaluated: 2018-07-22. Review status: criteria provided, single submitter. Criteria: ARUP Molecular Germline Variant Investigation Process. Collection method: clinical testing. Allele origin: germline.
Comment: The FBN1 c.3345_3347delTGA; p.Asp1115del variant, to our knowledge, is not reported in the medical literature or gene specific databases. This variant is also absent from general population databases (1000 Genomes Project, Exome Variant Server, and Genome Aggregation Database), indicating it is not a common polymorphism. This variant deletes a single aspartate residue leaving the rest of the protein in-frame. The deleted aspartate at codon 1115 is a highly conserved residue important for EGF domain calcium binding (Wu 1995), and thus the p.Asp1115del variant meets the revised Ghent nosology criteria for classification as pathogenic (Loeys 2010). Based on available information, this variant is considered to be likely pathogenic. References: Loeys BL et al. The revised Ghent nosology for the Marfan syndrome. J. Med. Genet. 2010 47(7): 476-85. Wu YS et al. Fibrillin domain folding and calcium binding: significance to Marfan syndrome. Chem Biol. 1995 Feb;2(2):91-7.

NM_000138.5(FBN1):c.3342TGA[1] (p.Asp1115del)

Gene: FBN1 (fibrillin 1; minus strand). Cytogenetic location: 15q21.1.
Variant type: Microsatellite.
Coding change: c.3342TGA[1] on transcript NM_000138.5 (MANE Select); one copy of the 3-base unit TGA starting at c.3342; the reference has two copies in a row; one copy, 3 bases deleted.
Protein change: p.Asp1115del; deletes aspartic acid 1115.
Molecular consequence: inframe deletion.
Genome position (GRCh38, 1-based): chr15:48,487,428-48,487,430, TCA deleted on the plus strand (TGA on the coding strand, the reverse complement: FBN1 is on the minus strand); deleting any 3 consecutive bases within chr15:48,487,428-48,487,433 gives the same sequence; the position shown is the placement nearest the transcript's 3' end. VCF-style (leftmost placement, unchanged base first): chr15-48487427-CTCA-C. GRCh37 (hg19) VCF-style: chr15-48779624-CTCA-C.
Other names: short protein forms D1115del.
Identifiers: ClinVar variation 811720 (VCV000811720.8), dbSNP rs1597563323, ClinGen allele CA915946583.